The following is an entry in ClinVar:

NM_000360.4(TH):c.1361C>A (p.Pro454His)

Gene: TH (tyrosine hydroxylase; minus strand). Cytogenetic location: 11p15.5.
Variant type: single nucleotide variant.
Coding change: c.1361C>A on transcript NM_000360.4 (MANE Select); coding-DNA position 1361, C replaced by A.
Protein change: p.Pro454His; replaces proline 454 with histidine.
Molecular consequence: missense variant.
Genome position (GRCh38, 1-based): chr11:2,164,366, G>T on the plus strand (C>A on the coding strand, the complement: TH is on the minus strand). VCF-style: chr11-2164366-G-T. GRCh37 (hg19) VCF-style: chr11-2185596-G-T.
Other names: c.1454C>A, p.Pro485His (NM_199292.3); c.1442C>A, p.Pro481His (NM_199293.3); short protein forms P485H, P481H, P454H.
Identifiers: ClinVar variation 426863 (VCV000426863.9), dbSNP rs776457245, ClinGen allele CA5818264.

ClinVar aggregate classification (germline): Uncertain significance. Review status: criteria provided, multiple submitters, no conflicts (2 of 4 stars). 3 submissions from 3 submitters: Uncertain significance (2). 1 of the submissions does not count toward it. Last evaluated 2024-09-24.

Conditions:
TH-deficient dopa-responsive dystonia. Also called: DYT-TH; Tyrosine Hydroxylase-Deficient Dopa-Responsive Dystonia; Segawa syndrome, autosomal recessive. Identifiers: Orphanet 101150, MedGen C2673535, MONDO:0011551, OMIM 605407.

Allele frequency attached by ClinVar (database versions not stated): gnomAD exomes 0.00001; ExAC 0.00001.
gnomAD v4.1: 3 of 1,551,696 alleles (0.00019%); highest among the groups gnomAD compares: Admixed American, 0.0057%; no homozygotes.

Submissions (3):

GeneDx
Classification: Uncertain significance. Last evaluated: 2024-09-24. Review status: criteria provided, single submitter. Criteria: GeneDx Variant Classification Process June 2021. Collection method: clinical testing. Allele origin: germline. Affected: yes.
Comment: Not observed at significant frequency in large population cohorts (gnomAD); In silico analysis supports that this missense variant has a deleterious effect on protein structure/function; Has not been previously published as pathogenic or benign to our knowledge

Labcorp Genetics (formerly Invitae), Labcorp
Classification: Uncertain significance for TH-deficient dopa-responsive dystonia. Last evaluated: 2022-09-27. Review status: criteria provided, single submitter. Criteria: Invitae Variant Classification Sherloc (09022015). Collection method: clinical testing. Allele origin: germline.
Comment: This sequence change replaces proline, which is neutral and non-polar, with histidine, which is basic and polar, at codon 485 of the TH protein (p.Pro485His). This variant is present in population databases (rs776457245, gnomAD 0.01%). This variant has not been reported in the literature in individuals affected with TH-related conditions. ClinVar contains an entry for this variant (Variation ID: 426863). Algorithms developed to predict the effect of missense changes on protein structure and function (SIFT, PolyPhen-2, Align-GVGD) all suggest that this variant is likely to be disruptive. In summary, the available evidence is currently insufficient to determine the role of this variant in disease. Therefore, it has been classified as a Variant of Uncertain Significance.

Natera, Inc.
Classification: Uncertain significance for Autosomal recessive Segawa syndrome. Last evaluated: 2019-11-11. Review status: no assertion criteria provided. Collection method: clinical testing. Allele origin: germline. Not counted in ClinVar's aggregate classification.